The following is an entry in ClinVar:

ClinVar aggregate classification (germline): Benign/Likely benign. Review status: criteria provided, multiple submitters, no conflicts (2 of 4 stars). 8 submissions from 8 submitters: Benign (1); Likely benign (6). 1 of the submissions does not count toward it. Last evaluated 2026-02-01.

Conditions:
ALK-related disorder. Also called: ALK-related condition.
Hereditary cancer-predisposing syndrome. Also called: Tumor predisposition; Hereditary neoplastic syndrome; Hereditary Cancer Syndrome; Neoplastic Syndromes, Hereditary. Identifiers: Orphanet 140162, MedGen C0027672, MeSH D009386, MONDO:0015356.
Neuroblastoma, susceptibility to, 3. Also called: ALK-Related Neuroblastic Tumor Susceptibility. Identifiers: Orphanet 635, MedGen C2751681, MONDO:0013083, OMIM 613014.

Allele frequency attached by ClinVar (database versions not stated): 1000 Genomes Project 30x 0.00016; 1000 Genomes Project 0.00020; TOPMed 0.00023; gnomAD 0.00029; ESP Exome Variant Server 0.00031.
gnomAD v4.1: 652 of 1,613,244 alleles (0.04%); highest among the groups gnomAD compares: Non-Finnish European, 0.05%; no homozygotes.

Submissions (8):

Labcorp Genetics (formerly Invitae), Labcorp
Classification: Likely benign for Neuroblastoma, susceptibility to, 3. Last evaluated: 2026-02-01. Review status: criteria provided, single submitter. Criteria: Invitae Variant Classification Sherloc (09022015). Collection method: clinical testing. Allele origin: germline.

CeGaT Center for Human Genetics Tuebingen
Classification: Likely benign. Last evaluated: 2024-10-01. Review status: criteria provided, single submitter. Criteria: CeGaT Center For Human Genetics Tuebingen Variant Classification Criteria Version 2. Collection method: clinical testing. Allele origin: germline. Affected: yes. Observed: 2 variant alleles.
Comment: ALK: BP4, BP7

ARUP Laboratories, Molecular Genetics and Genomics, ARUP Laboratories
Classification: Likely benign for Neuroblastoma, susceptibility to, 3. Last evaluated: 2022-07-08. Review status: criteria provided, single submitter. Criteria: ARUP Molecular Germline Variant Investigation Process 2021. Collection method: clinical testing. Allele origin: germline.

Ambry Genetics
Classification: Likely benign for Hereditary cancer-predisposing syndrome. Last evaluated: 2022-02-12. Review status: criteria provided, single submitter. Criteria: Ambry Variant Classification Scheme 2023. Collection method: clinical testing. Allele origin: germline.

Sema4
Classification: Benign for Hereditary cancer-predisposing syndrome. Last evaluated: 2021-04-23. Review status: criteria provided, single submitter. Criteria: Sema4 Curation Guidelines. Collection method: curation. Allele origin: germline.

GeneDx
Classification: Likely benign. Last evaluated: 2019-07-25. Review status: criteria provided, single submitter. Criteria: GeneDx Variant Classification Process June 2021. Collection method: clinical testing. Allele origin: germline. Affected: yes.

Illumina Laboratory Services, Illumina
Classification: Likely benign for Neuroblastoma, susceptibility to, 3. Last evaluated: 2018-01-12. Review status: criteria provided, single submitter. Criteria: ICSL Variant Classification Criteria 13 December 2019. Collection method: clinical testing. Allele origin: germline.
Comment: This variant was observed in the ICSL laboratory as part of a predisposition screen in an ostensibly healthy population. It had not been previously curated by ICSL or reported in the Human Gene Mutation Database (HGMD: prior to June 1st, 2018), and was therefore a candidate for classification through an automated scoring system. Utilizing variant allele frequency, disease prevalence and penetrance estimates, and inheritance mode, an automated score was calculated to assess if this variant is too frequent to cause the disease. Based on the score and internal cut-off values, a variant classified as likely benign is not then subjected to further curation. The score for this variant resulted in a classification of likely benign for this disease.

PreventionGenetics, part of Exact Sciences
Classification: Likely benign for ALK-related condition. Last evaluated: 2019-11-20. Review status: no assertion criteria provided. Collection method: clinical testing. Allele origin: germline. Not counted in ClinVar's aggregate classification.
Comment: This variant is classified as likely benign based on ACMG/AMP sequence variant interpretation guidelines (Richards et al. 2015 PMID: 25741868, with internal and published modifications).

NM_004304.5(ALK):c.3102G>A (p.Ser1034=)

Gene: ALK (ALK receptor tyrosine kinase; minus strand). Cytogenetic location: 2p23.2.
Variant type: single nucleotide variant.
Coding change: c.3102G>A on transcript NM_004304.5 (MANE Select); coding-DNA position 3102, G replaced by A.
Protein change: p.Ser1034=; no amino-acid change (serine 1034 retained).
Molecular consequence: synonymous variant.
Genome position (GRCh38, 1-based): chr2:29,225,531, C>T on the plus strand (G>A on the coding strand, the complement: ALK is on the minus strand). VCF-style: chr2-29225531-C-T. GRCh37 (hg19) VCF-style: chr2-29448397-C-T.
Identifiers: ClinVar variation 412908 (VCV000412908.44), dbSNP rs138771319, ClinGen allele CA1594074.